The following is an entry in ClinVar:

NM_001267550.2(TTN):c.83542dup (p.Ile27848fs)

Genes: TTN (titin; minus strand), TTN-AS1 (TTN antisense RNA 1; plus strand). Cytogenetic location: 2q31.2.
Variant type: Duplication.
Coding change: c.83542dup on transcript NM_001267550.2 (MANE Select); coding-DNA position 83542, one base duplicated (A; older notation c.83542dupA).
Protein change: p.Ile27848fs; shifts the reading frame from isoleucine 27848.
Molecular consequence: frameshift variant.
Genome position (GRCh38, 1-based): chr2:178,562,590, T duplicated on the plus strand (A on the coding strand, the reverse complement: TTN is on the minus strand). VCF-style (leftmost placement, unchanged base first): chr2-178562589-A-AT. GRCh37 (hg19) VCF-style: chr2-179427316-A-AT.
Other names: c.78619dup, p.Ile26207fs (NM_001256850.1); c.56347dup, p.Ile18783fs (NM_003319.4); c.75838dup, p.Ile25280fs (NM_133378.4); c.56722dup, p.Ile18908fs (NM_133432.3); c.56923dup, p.Ile18975fs (NM_133437.4); c.78619dupA (NM_001256850.1); short protein forms I18908fs, I26207fs, I18783fs, I18975fs, I25280fs, I27848fs.
Identifiers: ClinVar variation 422901 (VCV000422901.2), dbSNP rs1553568528, ClinGen allele CA16617342.

ClinVar aggregate classification (germline): Pathogenic (1 of 4 stars; one submission).

Submission:

GeneDx
Classification: Pathogenic. Last evaluated: 2016-12-21. Review status: criteria provided, single submitter. Criteria: GeneDx Variant Classification (06012015). Collection method: clinical testing. Allele origin: germline. Affected: yes.
Comment: Although the c.78619dupA pathogenic variant in the TTN gene has not been reported to our knowledge, this variant causes a shift in reading frame starting at codon Isoleucine 26207, changing it to an Asparagine, and creating a premature stop codon at position six of the new reading frame, denoted p.I26207NfsX6. This pathogenic variant is located within the A-band of TTN and is expected to result in either an abnormal, truncated protein product or loss of protein from this allele through nonsense-mediated mRNA decay. Many other frameshift variants in the TTN gene have been reported in HGMD in association with DCM (Stenson et al., 2014). Furthermore, the c.78619dupA variant was not observed in either the Exome Aggregation Consortium or approximately 6,000 individuals of European and African American ancestry in the NHLBI Exome Sequencing Project, indicating it is not a common benign variant in these populations. In summary, c.78619dupA in the TTN gene is interpreted as a pathogenic variant.